The following is an entry in ClinVar:

ClinVar aggregate classification (germline): Pathogenic (3 of 4 stars; one submission).

Conditions:
Breast-ovarian cancer, familial, susceptibility to, 2 (BROVCA2). Also called: BRCA2 Hereditary Breast and Ovarian Cancer. Identifiers: Orphanet 145, MedGen C2675520, MONDO:0012933, OMIM 612555. Disease mechanism: loss of function.

Submission:

Evidence-based Network for the Interpretation of Germline Mutant Alleles (ENIGMA)
Classification: Pathogenic for Breast-ovarian cancer, familial, susceptibility to, 2. Last evaluated: 2016-10-18. Review status: reviewed by expert panel. Criteria: ENIGMA BRCA1/2 Classification Criteria (2015). Collection method: curation. Allele origin: germline.
Comment: Variant allele predicted to encode a truncated non-functional protein.

NM_000059.4(BRCA2):c.1285_1286dup (p.Leu429fs)

Gene: BRCA2 (BRCA2 DNA repair associated; plus strand). Cytogenetic location: 13q13.1.
Variant type: Duplication.
Coding change: c.1285_1286dup on transcript NM_000059.4 (MANE Select); coding-DNA positions 1285 to 1286, 2 bases duplicated (TT; older notation c.1285_1286dupTT).
Protein change: p.Leu429fs; shifts the reading frame from leucine 429.
Molecular consequence: frameshift variant.
Genome position (GRCh38, 1-based): chr13:32,332,763-32,332,764, TT duplicated. VCF-style (leftmost placement, unchanged base first): chr13-32332762-A-ATT. GRCh37 (hg19) VCF-style: chr13-32906899-A-ATT.
Other names: 1514insTT; short protein forms L429fs.
Identifiers: ClinVar variation 266623 (VCV000266623.3), dbSNP rs886040355, ClinGen allele CA10589082.